The following is an entry in ClinVar:

NM_006885.4(ZFHX3):c.5619C>T (p.His1873=)

Genes: ZFHX3-AS1 (ZFHX3 antisense RNA 1; plus strand), ZFHX3 (zinc finger homeobox 3; minus strand). Cytogenetic location: 16q22.2.
Variant type: single nucleotide variant.
Coding change: c.5619C>T on transcript NM_006885.4 (MANE Select); coding-DNA position 5619, C replaced by T.
Protein change: p.His1873=; no amino-acid change (histidine 1873 retained).
Molecular consequence: synonymous variant.
Genome position (GRCh38, 1-based): chr16:72,797,063, G>A on the plus strand (C>T on the coding strand, the complement: ZFHX3 is on the minus strand). VCF-style: chr16-72797063-G-A. GRCh37 (hg19) VCF-style: chr16-72830962-G-A.
Other names: c.2877C>T, p.His959= (NM_001164766.2); c.5619C>T, p.His1873= (NM_001386735.1).
Identifiers: ClinVar variation 3038065 (VCV003038065.8), dbSNP rs150096812, ClinGen allele CA8163569.

ClinVar aggregate classification (germline): Likely benign. Review status: criteria provided, multiple submitters, no conflicts (2 of 4 stars). 3 submissions from 3 submitters: Likely benign (2). 1 of the submissions does not count toward it. Last evaluated 2026-09-01.

Conditions:
ZFHX3-related disorder. Also called: ZFHX3-related condition.

Allele frequency attached by ClinVar (database versions not stated): 1000 Genomes Project 0.00080; 1000 Genomes Project 30x 0.00094; TOPMed 0.00197; ESP Exome Variant Server 0.00292.
gnomAD v4.1: 4,679 of 1,613,894 alleles (0.29%); highest among the groups gnomAD compares: Non-Finnish European, 0.36%; 10 homozygotes.

Submissions (3):

CeGaT Center for Human Genetics Tuebingen
Classification: Likely benign. Last evaluated: 2026-09-01. Review status: criteria provided, single submitter. Criteria: CeGaT Center For Human Genetics Tuebingen Variant Classification Criteria Version 2. Collection method: clinical testing. Allele origin: germline. Affected: yes. Observed: 5 variant alleles.
Comment: ZFHX3: BP4, BP7

Blueprint Genetics
Classification: Likely benign. Last evaluated: 2024-11-06. Review status: criteria provided, single submitter. Criteria: ACMG Guidelines, 2015. Collection method: clinical testing. Allele origin: germline.

PreventionGenetics, part of Exact Sciences
Classification: Likely benign for ZFHX3-related condition. Last evaluated: 2019-06-06. Review status: no assertion criteria provided. Collection method: clinical testing. Allele origin: germline. Not counted in ClinVar's aggregate classification.
Comment: This variant is classified as likely benign based on ACMG/AMP sequence variant interpretation guidelines (Richards et al. 2015 PMID: 25741868, with internal and published modifications).